The following is an entry in ClinVar:

ClinVar aggregate classification (germline): Likely benign (1 of 4 stars; one submission).

Allele frequency attached by ClinVar (database versions not stated): ExAC 0.00091; gnomAD 0.00815.

Submission:

CeGaT Center for Human Genetics Tuebingen
Classification: Likely benign. Last evaluated: 2024-10-01. Review status: criteria provided, single submitter. Criteria: CeGaT Center For Human Genetics Tuebingen Variant Classification Criteria Version 2. Collection method: clinical testing. Allele origin: germline. Affected: yes. Observed: 3 variant alleles.
Comment: MUC5B: BP4, BS1

NM_002458.3(MUC5B):c.12716T>C (p.Met4239Thr)

Genes: MUC5B (mucin 5B, oligomeric mucus/gel-forming; plus strand), MUC5B-AS1 (MUC5B antisense RNA 1; minus strand). Cytogenetic location: 11p15.5.
Variant type: single nucleotide variant.
Coding change: c.12716T>C on transcript NM_002458.3 (MANE Select); coding-DNA position 12716, T replaced by C.
Protein change: p.Met4239Thr; replaces methionine 4239 with threonine.
Molecular consequence: missense variant.
Genome position (GRCh38, 1-based): chr11:1,249,596, T>C. VCF-style: chr11-1249596-T-C. GRCh37 (hg19) VCF-style: chr11-1270826-T-C.
Other names: short protein forms M4239T.
Identifiers: ClinVar variation 2641288 (VCV002641288.24), dbSNP rs4046507, ClinGen allele CA5808064.
Genomic context (GRCh38, chr11:1,249,596, plus strand): 5'-GTGTGTTCTGCTGCAACTACGGCCACTGCCCCAGCACCCCGGCCACCAGCTCTACGGCCA[T>C]GCCCTCCTCCACTCCGGGGACGACCTGGATCCTCACAGAGCTGACCACAACAGCCACTAC-3'
Protein context (NP_002449.2, residues 4229-4249): PSTPATSSTA[Met4239Thr]PSSTPGTTWI